The following is an entry in ClinVar:

NM_006015.6(ARID1A):c.4992T>G (p.Ile1664Met)

Gene: ARID1A (AT-rich interaction domain 1A; plus strand). Cytogenetic location: 1p36.11.
Variant type: single nucleotide variant.
Coding change: c.4992T>G on transcript NM_006015.6 (MANE Select); coding-DNA position 4992, T replaced by G.
Protein change: p.Ile1664Met; replaces isoleucine 1664 with methionine.
Molecular consequence: missense variant.
Genome position (GRCh38, 1-based): chr1:26,775,219, T>G. VCF-style: chr1-26775219-T-G. GRCh37 (hg19) VCF-style: chr1-27101710-T-G.
Other names: c.4341T>G, p.Ile1447Met (NM_139135.4); short protein forms I1447M, I1664M.
Identifiers: ClinVar variation 2576813 (VCV002576813.1), dbSNP rs2522005993, ClinGen allele CA339179935.
Genomic context (GRCh38, chr1:26,775,219, plus strand): 5'-CTCTGTTGAAGCCACACAGCCTGTGTTGAAGCAGAGGAGGCGGCTCACAATGAAAGACAT[T>G]GGTAAGGAGATCTTCCTCATTCGGTTGCCTAATCTGCCCCTTTCCATCTTGTCCATTGTT-3'
Protein context (NP_006006.3, residues 1654-1674): KQRRRLTMKD[Ile1664Met]GTPEAWRVMM

ClinVar aggregate classification (germline): Uncertain significance (1 of 4 stars; one submission).

Submission:

GeneDx
Classification: Uncertain significance. Last evaluated: 2023-02-10. Review status: criteria provided, single submitter. Criteria: GeneDx Variant Classification Process June 2021. Collection method: clinical testing. Allele origin: germline. Affected: yes.
Comment: Not observed at significant frequency in large population cohorts (gnomAD); In silico analysis supports that this missense variant does not alter protein structure/function; Has not been previously published as pathogenic or benign to our knowledge